The following is an entry in ClinVar:

NC_000009.11:g.(?_271607)_(340341_?)dup

Genes: DOCK8 (dedicator of cytokinesis 8; plus strand), LOC130001440 (ATAC-STARR-seq lymphoblastoid active region 28116; plus strand), LOC126860552 (BRD4-independent group 4 enhancer GRCh37_chr9:285795-286994; plus strand), LOC130001439 (ATAC-STARR-seq lymphoblastoid active region 28115; plus strand). Cytogenetic location: 9p24.3.
Variant type: Duplication.
Identifiers: ClinVar variation 666222 (VCV000666222.12).

ClinVar aggregate classification (germline): Uncertain significance (1 of 4 stars; one submission).

Conditions:
Combined immunodeficiency due to DOCK8 deficiency (HIES2). Also called: HYPER-IgE RECURRENT INFECTION SYNDROME 2, AUTOSOMAL RECESSIVE; HIES autosomal recessive; Hyper-IgE recurrent infection syndrome, autosomal recessive; DOCK8 Deficiency; HYPER-IgE SYNDROME 2, AUTOSOMAL RECESSIVE, WITH RECURRENT INFECTIONS. Identifiers: Orphanet 217390, MedGen C4722305, MONDO:0009478, OMIM 243700.

Submission:

Labcorp Genetics (formerly Invitae), Labcorp
Classification: Uncertain significance for Combined immunodeficiency due to DOCK8 deficiency. Last evaluated: 2022-08-21. Review status: criteria provided, single submitter. Criteria: Invitae Variant Classification Sherloc (09022015). Collection method: clinical testing. Allele origin: germline.
Comment: This variant results in a copy number gain of the genomic region encompassing exon(s) 2-14 of the DOCK8 gene. While the exact position of this variant cannot be determined from the data, sub-genic copy number gains are generally in tandem (PMID: 25640679). This variant is predicted to be in-frame, and likely preserves the integrity of the reading frame. This variant has not been reported in the literature in individuals affected with DOCK8-related conditions. In summary, the available evidence is currently insufficient to determine the role of this variant in disease. Therefore, it has been classified as a Variant of Uncertain Significance.

Literature cited by the submitters: PubMed 25640679.